The following is an entry in ClinVar:

NM_015937.6(PIGT):c.1526A>G (p.Tyr509Cys)

Gene: PIGT (phosphatidylinositol glycan anchor biosynthesis class T; plus strand). Cytogenetic location: 20q13.12.
Variant type: single nucleotide variant.
Coding change: c.1526A>G on transcript NM_015937.6 (MANE Select); coding-DNA position 1526, A replaced by G.
Protein change: p.Tyr509Cys; replaces tyrosine 509 with cysteine.
Molecular consequence: missense variant. On other transcripts: non-coding transcript variant (5).
Genome position (GRCh38, 1-based): chr20:45,425,615, A>G. VCF-style: chr20-45425615-A-G. GRCh37 (hg19) VCF-style: chr20-44054255-A-G.
Other names: p.Tyr509Cys; c.1358A>G, p.Tyr453Cys (NM_001184728.3); c.1325A>G, p.Tyr442Cys (NM_001184729.3); c.1220A>G, p.Tyr407Cys (NM_001184730.3); short protein forms Y407C, Y442C, Y453C, Y509C.
Identifiers: ClinVar variation 2683545 (VCV002683545.1), dbSNP rs2515567294, ClinGen allele CA409171173.

ClinVar aggregate classification (germline): Uncertain significance (1 of 4 stars; one submission).

Allele frequency attached by ClinVar (database versions not stated): gnomAD exomes below 0.00001.
gnomAD v4.1: 1 of 1,613,836 alleles (0.000062%); highest among the groups gnomAD compares: Non-Finnish European, 0.000085%; no homozygotes.

Submission:

Mayo Clinic Laboratories, Mayo Clinic
Classification: Uncertain significance. Last evaluated: 2023-02-16. Review status: criteria provided, single submitter. Criteria: ACMG Guidelines, 2015. Collection method: clinical testing. Allele origin: germline. Observed: 1 variant allele.
Comment: PP3, PM2